The following is an entry in ClinVar:

ClinVar aggregate classification (germline): Conflicting classifications of pathogenicity. Review status: criteria provided, conflicting classifications (1 of 4 stars). 2 submissions from 2 submitters: Uncertain significance (1); Likely benign (1). Last evaluated 2025-03-04.

gnomAD v4.1: 6 of 1,613,600 alleles (0.00037%); highest among the groups gnomAD compares: Admixed American, 0.01%; no homozygotes.

Submissions (2):

Labcorp Genetics (formerly Invitae), Labcorp
Classification: Likely benign. Last evaluated: 2025-03-04. Review status: criteria provided, single submitter. Criteria: Invitae Variant Classification Sherloc (09022015). Collection method: clinical testing. Allele origin: germline.

Mayo Clinic Laboratories, Mayo Clinic
Classification: Uncertain significance. Last evaluated: 2023-08-30. Review status: criteria provided, single submitter. Criteria: ACMG Guidelines, 2015. Collection method: clinical testing. Allele origin: germline. Observed: 1 variant allele.
Comment: PM2_moderate

NM_003126.4(SPTA1):c.398T>A (p.Ile133Lys)

Gene: SPTA1 (spectrin alpha, erythrocytic 1; minus strand). Cytogenetic location: 1q23.1.
Variant type: single nucleotide variant.
Coding change: c.398T>A on transcript NM_003126.4 (MANE Select); coding-DNA position 398, T replaced by A.
Protein change: p.Ile133Lys; replaces isoleucine 133 with lysine.
Molecular consequence: missense variant.
Genome position (GRCh38, 1-based): chr1:158,681,660, A>T on the plus strand (T>A on the coding strand, the complement: SPTA1 is on the minus strand). VCF-style: chr1-158681660-A-T. GRCh37 (hg19) VCF-style: chr1-158651450-A-T.
Other names: p.Ile133Lys; short protein forms I133K.
Identifiers: ClinVar variation 3380083 (VCV003380083.2).
Genomic context (GRCh38, chr1:158,681,660, plus strand): 5'-TGGTCACCCTTCTCCAGGGTCAGCTCTAACAGCAGGTCCCACAGGTGGCGTAGCTCCTCT[A>T]TATGGGCCTTTAGGAAAGAGGGGCAAAACCACTCAGCCACAGACACTGGGAGCAGGGAAA-3'
Protein context (NP_003117.2, residues 123-143): HSAHEETKAH[Ile133Lys]EELRHLWDLL